The following is an entry in ClinVar:

ClinVar aggregate classification (germline): Uncertain significance (1 of 4 stars; one submission).

Conditions:
DICER1-related tumor predisposition. Also called: DICER1 syndrome; DICER1-related pleuropulmonary blastoma cancer predisposition syndrome. Identifiers: Orphanet 284343, MedGen C3839822, MONDO:0100216.

Submission:

Labcorp Genetics (formerly Invitae), Labcorp
Classification: Uncertain significance for DICER1-related tumor predisposition. Last evaluated: 2024-11-11. Review status: criteria provided, single submitter. Criteria: Invitae Variant Classification Sherloc (09022015). Collection method: clinical testing. Allele origin: germline.
Comment: This sequence change replaces leucine, which is neutral and non-polar, with proline, which is neutral and non-polar, at codon 1070 of the DICER1 protein (p.Leu1070Pro). This variant is not present in population databases (gnomAD no frequency). This missense change has been observed in individual(s) with clinical features of DICER1 syndrome (PMID: 28960912). This variant is also known as c.2642T>C p.Leu881Pro. ClinVar contains an entry for this variant (Variation ID: 2995248). Invitae Evidence Modeling of protein sequence and biophysical properties (such as structural, functional, and spatial information, amino acid conservation, physicochemical variation, residue mobility, and thermodynamic stability) indicates that this missense variant is expected to disrupt DICER1 protein function with a positive predictive value of 95%. In summary, the available evidence is currently insufficient to determine the role of this variant in disease. Therefore, it has been classified as a Variant of Uncertain Significance.

Literature cited by the submitters: PubMed 28960912.

NM_177438.3(DICER1):c.3209T>C (p.Leu1070Pro)

Gene: DICER1 (dicer 1, ribonuclease III; minus strand). Cytogenetic location: 14q32.13.
Variant type: single nucleotide variant.
Coding change: c.3209T>C on transcript NM_177438.3 (MANE Select); coding-DNA position 3209, T replaced by C.
Protein change: p.Leu1070Pro; replaces leucine 1070 with proline.
Molecular consequence: missense variant. On other transcripts: non-coding transcript variant (6).
Genome position (GRCh38, 1-based): chr14:95,105,131, A>G on the plus strand (T>C on the coding strand, the complement: DICER1 is on the minus strand). VCF-style: chr14-95105131-A-G. GRCh37 (hg19) VCF-style: chr14-95571468-A-G.
Other names: c.3209T>C, p.Leu1070Pro (NM_001195573.1, NM_001271282.3, NM_001291628.2 and 13 more transcripts); c.2927T>C, p.Leu976Pro (NM_001395686.1); c.2804T>C, p.Leu935Pro (NM_001395687.1, NM_001395688.1, NM_001395689.1 and 2 more transcripts); c.2642T>C, p.Leu881Pro (NM_001395691.1); c.1526T>C, p.Leu509Pro (NM_001395697.1); short protein forms L935P, L976P, L1070P, L881P, L509P.
Identifiers: ClinVar variation 2995248 (VCV002995248.3), dbSNP rs2542753047, ClinGen allele CA390876510.